The following is an entry in ClinVar:

ClinVar aggregate classification (germline): Conflicting classifications of pathogenicity. Review status: criteria provided, conflicting classifications (1 of 4 stars). 16 submissions from 12 submitters: Uncertain significance (7); Benign (2); Likely benign (7). Last evaluated 2026-09-01.

Conditions:
TTN-related disorder. Also called: TTN-related disorders; TTN-related condition; TTN-related disease.
Autosomal recessive limb-girdle muscular dystrophy type 2J (LGMDR10). Also called: Limb-girdle muscular dystrophy, type 2J; MUSCULAR DYSTROPHY, LIMB-GIRDLE, AUTOSOMAL RECESSIVE 10. Identifiers: Orphanet 140922, MedGen C1837342, MONDO:0012127, OMIM 608807.
Dilated cardiomyopathy 1G (CMD1G). Identifiers: Orphanet 154, MedGen C1858763, MONDO:0011400, OMIM 604145.
Cardiomyopathy (CMYO). Also called: Cardiomyopathies. Identifiers: Orphanet 167848, MedGen C0878544, MONDO:0004994, HP:0001638. Inheritance: Various modes of inheritance.
Tibial muscular dystrophy (TMD). Also called: Tibial muscular dystrophy, tardive; UDD MYOPATHY; Udd Distal Myopathy – Tibial Muscular Dystrophy. Identifiers: Orphanet 609, MedGen C1838244, MONDO:0010870, OMIM 600334.
Myopathy, myofibrillar, 9, with early respiratory failure (MFM9). Also called: Hereditary myopathy with early respiratory failure; EDSTROM MYOPATHY; MYOPATHY, PROXIMAL, WITH EARLY RESPIRATORY MUSCLE INVOLVEMENT; Myopathy, distal, with early respiratory failure, autosomal dominant. Identifiers: Orphanet 178464, Orphanet 34521, MedGen C1863599, MONDO:0011362, OMIM 603689.
Early-onset myopathy with fatal cardiomyopathy (CMYO5). Also called: Salih Myopathy; CONGENITAL MYOPATHY 5 WITH CARDIOMYOPATHY. Identifiers: Orphanet 289377, MedGen C2673677, MONDO:0012714, OMIM 611705. Disease mechanism: loss of function.

Allele frequency attached by ClinVar (database versions not stated): ESP Exome Variant Server 0.00017; TOPMed 0.00028; gnomAD 0.00031 and 0.00033; gnomAD exomes 0.00039 and 0.00041; ExAC 0.00046.
gnomAD v4.1: 609 of 1,613,474 alleles (0.038%); highest among the groups gnomAD compares: Non-Finnish European, 0.047%; 2 homozygotes.

Submissions (16):

CeGaT Center for Human Genetics Tuebingen
Classification: Likely benign. Last evaluated: 2026-09-01. Review status: criteria provided, single submitter. Criteria: CeGaT Center For Human Genetics Tuebingen Variant Classification Criteria Version 2. Collection method: clinical testing. Allele origin: germline. Affected: yes. Observed: 4 variant alleles.
Comment: TTN: BS2

Molecular Diagnostic Laboratory for Inherited Cardiovascular Disease, Montreal Heart Institute
Classification: Likely benign. Last evaluated: 2026-03-27. Review status: criteria provided, single submitter. Criteria: ACMG Guidelines, 2015. Collection method: clinical testing. Allele origin: germline. Affected: no.
Comment: BS1;BP1

PreventionGenetics, part of Exact Sciences
Classification: Likely benign for TTN-related condition. Last evaluated: 2025-10-08. Review status: criteria provided, single submitter. Criteria: ACMG Guidelines, 2015. Collection method: clinical testing. Allele origin: germline.
Comment: This variant is classified as likely benign based on ACMG/AMP sequence variant interpretation guidelines (Richards et al. 2015 PMID: 25741868, with internal and published modifications).

Women's Health and Genetics/Laboratory Corporation of America, LabCorp
Classification: Likely benign. Last evaluated: 2025-06-03. Review status: criteria provided, single submitter. Criteria: LabCorp Variant Classification Summary - May 2015. Collection method: clinical testing. Allele origin: germline.
Comment: Variant summary: TTN c.12254G>A (p.Gly4085Asp) results in a non-conservative amino acid change in the encoded protein sequence. Algorithms developed to predict the effect of missense changes on protein structure and function all suggest that this variant is likely to be disruptive. The variant allele was found at a frequency of 0.00041 in 247988 control chromosomes, predominantly at a frequency of 0.00073 within the Non-Finnish European subpopulation in the gnomAD database. The observed variant frequency within Non-Finnish European control individuals in the gnomAD database is approximately 1.87 fold of the estimated maximal expected allele frequency for a pathogenic variant in TTN causing Dilated Cardiomyopathy phenotype (0.00039). c.12254G>A has been observed in individual(s) affected with Dilated Cardiomyopathy (example, Haas_2015), without strong evidence for causality. These report(s) do not provide unequivocal conclusions about association of the variant with TTN-related conditions. To our knowledge, no experimental evidence demonstrating an impact on protein function has been reported. The following publication has been ascertained in the context of this evaluation (PMID: 25163546). ClinVar contains an entry for this variant (Variation ID: 203249). Based on the evidence outlined above, the variant was classified as likely benign.

Mayo Clinic Laboratories, Mayo Clinic
Classification: Uncertain significance. Last evaluated: 2025-05-14. Review status: criteria provided, single submitter. Criteria: ACMG Guidelines, 2015. Collection method: clinical testing. Allele origin: germline. Observed: 3 variant alleles.
Comment: PP3

Blueprint Genetics
Classification: Likely benign. Last evaluated: 2024-09-23. Review status: criteria provided, single submitter. Criteria: ACMG Guidelines, 2015. Collection method: clinical testing. Allele origin: germline.

Revvity Omics, Revvity
Classification: Uncertain significance. Last evaluated: 2024-05-29. Review status: criteria provided, single submitter. Criteria: ACMG Guidelines, 2015. Collection method: clinical testing. Allele origin: germline.

CHEO Genetics Diagnostic Laboratory, Children's Hospital of Eastern Ontario
Classification: Likely benign for Cardiomyopathy. Last evaluated: 2022-10-31. Review status: criteria provided, single submitter. Criteria: ACMG Guidelines, 2015. Collection method: clinical testing. Allele origin: germline.

Illumina Laboratory Services, Illumina
Classification: Uncertain significance for Dilated cardiomyopathy 1G. Last evaluated: 2018-01-13. Review status: criteria provided, single submitter. Criteria: ICSL Variant Classification Criteria 13 December 2019. Collection method: clinical testing. Allele origin: germline.

Illumina Laboratory Services, Illumina
Classification: Uncertain significance for Autosomal recessive limb-girdle muscular dystrophy type 2J. Last evaluated: 2018-01-13. Review status: criteria provided, single submitter. Criteria: ICSL Variant Classification Criteria 13 December 2019. Collection method: clinical testing. Allele origin: germline.

Illumina Laboratory Services, Illumina
Classification: Benign for Myopathy, myofibrillar, 9, with early respiratory failure. Last evaluated: 2018-01-13. Review status: criteria provided, single submitter. Criteria: ICSL Variant Classification Criteria 13 December 2019. Collection method: clinical testing. Allele origin: germline.
Comment: This variant was observed in the ICSL laboratory as part of a predisposition screen in an ostensibly healthy population. It had not been previously curated by ICSL or reported in the Human Gene Mutation Database (HGMD: prior to June 1st, 2018), and was therefore a candidate for classification through an automated scoring system. Utilizing variant allele frequency, disease prevalence and penetrance estimates, and inheritance mode, an automated score was calculated to assess if this variant is too frequent to cause the disease. Based on the score and internal cut-off values, a variant classified as benign is not then subjected to further curation. The score for this variant resulted in a classification of benign for this disease.

Illumina Laboratory Services, Illumina
Classification: Benign for Tibial muscular dystrophy. Last evaluated: 2018-01-13. Review status: criteria provided, single submitter. Criteria: ICSL Variant Classification Criteria 13 December 2019. Collection method: clinical testing. Allele origin: germline.
Comment: the same text as in the submission from Illumina Laboratory Services, Illumina above.

Illumina Laboratory Services, Illumina
Classification: Uncertain significance for Early-onset myopathy with fatal cardiomyopathy. Last evaluated: 2018-01-13. Review status: criteria provided, single submitter. Criteria: ICSL Variant Classification Criteria 13 December 2019. Collection method: clinical testing. Allele origin: germline.

Eurofins Ntd Llc (ga)
Classification: Uncertain significance. Last evaluated: 2018-01-02. Review status: criteria provided, single submitter. Criteria: EGL Classification Definitions 2015. Collection method: clinical testing. Allele origin: germline. Observed: 8 variant alleles, 8 heterozygotes.

Labcorp Genetics (formerly Invitae), Labcorp
Classification: Uncertain significance for Dilated cardiomyopathy 1G; Autosomal recessive limb-girdle muscular dystrophy type 2J. Last evaluated: 2017-12-21. Review status: criteria provided, single submitter. Criteria: Invitae Variant Classification Sherloc (09022015). Collection method: clinical testing. Allele origin: germline.

GeneDx
Classification: Likely benign. Last evaluated: 2017-05-04. Review status: criteria provided, single submitter. Criteria: GeneDx Variant Classification (06012015). Collection method: clinical testing. Allele origin: germline. Affected: yes.
Comment: This variant is considered likely benign or benign based on one or more of the following criteria: it is a conservative change, it occurs at a poorly conserved position in the protein, it is predicted to be benign by multiple in silico algorithms, and/or has population frequency not consistent with disease.

Literature cited by the submitters: PubMed 25163546 (cited by Women's Health and Genetics/Laboratory Corporation of America, LabCorp and Mayo Clinic Laboratories, Mayo Clinic).

NM_001267550.2(TTN):c.15986G>A (p.Gly5329Asp)

Gene: TTN (titin; minus strand). Cytogenetic location: 2q31.2.
Variant type: single nucleotide variant.
Coding change: c.15986G>A on transcript NM_001267550.2 (MANE Select); coding-DNA position 15986, G replaced by A.
Protein change: p.Gly5329Asp; replaces glycine 5329 with aspartic acid.
Molecular consequence: missense variant. On other transcripts: intron variant (3).
Genome position (GRCh38, 1-based): chr2:178,733,307, C>T on the plus strand (G>A on the coding strand, the complement: TTN is on the minus strand). VCF-style: chr2-178733307-C-T. GRCh37 (hg19) VCF-style: chr2-179598034-C-T.
Other names: p.G5012D:GGC>GAC; p.Gly4085Asp; c.15035G>A, p.Gly5012Asp (NM_001256850.1); c.12254G>A, p.Gly4085Asp (NM_133378.4); c.13282+4775G>A (NM_003319.4); c.13858+4775G>A (NM_133437.4); c.13657+4775G>A (NM_133432.3); short protein forms G5012D, G5329D, G4085D.
Identifiers: ClinVar variation 203249 (VCV000203249.62), dbSNP rs202234492, ClinGen allele CA311809.
Genomic context (GRCh38, chr2:178,733,307, plus strand): 5'-GTGAATGTAGTCTCACAGGAGCTGCTGCCCACTTCATTGGAAATCTCAAATGTGTATTGG[C>T]CACTGTCGTGCAGCTCAGCTGAATAAAATTTGAGCTGGGCAACATTGTTTTTAAAACTTA-3'
Protein context (NP_001254479.2, residues 5319-5339): KFYSAELHDS[Gly5329Asp]QYTFEISNEV